The following is an entry in ClinVar:

ClinVar aggregate classification (germline): Conflicting classifications of pathogenicity. Review status: criteria provided, conflicting classifications (1 of 4 stars). 3 submissions from 3 submitters: Likely pathogenic (2); Uncertain significance (1). Last evaluated 2026-04-22.

Conditions:
Polycystic kidney disease 4 (PKD4). Also called: PKD3; POLYCYSTIC KIDNEY DISEASE 4 WITH OR WITHOUT POLYCYSTIC LIVER DISEASE; Autosomal Recessive Polycystic Kidney Disease – PKHD1; POLYCYSTIC KIDNEY AND HEPATIC DISEASE 1; POLYCYSTIC KIDNEY DISEASE, INFANTILE, TYPE I. Identifiers: MedGen C4540575, MONDO:0033004, OMIM 263200.
Autosomal recessive polycystic kidney disease (ARPKD). Also called: AR polycystic kidney disease. Identifiers: Orphanet 731, Orphanet 8378, MedGen C0085548, MeSH D017044, MONDO:0009889.

Allele frequency attached by ClinVar (database versions not stated): gnomAD exomes below 0.00001; TOPMed below 0.00001; gnomAD 0.00001.
gnomAD v4.1: 3 of 1,613,564 alleles (0.00019%); highest among the groups gnomAD compares: Non-Finnish European, 0.00025%; no homozygotes.

Submissions (3):

Myriad Genetics, Inc.
Classification: Uncertain significance for Polycystic kidney disease 4. Last evaluated: 2026-04-22. Review status: criteria provided, single submitter. Criteria: Myriad Autosomal Dominant, Autosomal Recessive and X-Linked Classification Criteria (2023). Collection method: clinical testing. Allele origin: unknown.
Comment: NM_138694.3(PKHD1):c.8318T>G(V2773G) is a missense variant classified as a variant of uncertain significance in the context of autosomal recessive polycystic kidney disease, PKHD1-related. V2773G has not been observed in cases with relevant disease. Relevant functional assessments of this variant are not available in the literature. V2773G has not been observed in referenced population frequency databases. In summary, there is insufficient evidence to classify NM_138694.3(PKHD1):c.8318T>G(V2773G) as pathogenic or benign. Please note: this variant was assessed in the context of healthy population screening.

Greenwood Genetic Center Diagnostic Laboratories, Greenwood Genetic Center
Classification: Likely pathogenic for Polycystic kidney disease 4. Last evaluated: 2024-08-23. Review status: criteria provided, single submitter. Criteria: ACMG Guidelines, 2015. Collection method: clinical testing. Allele origin: germline. Affected: yes.
Comment: PM1, PM2, PM3, PM5_Supporting, PP3

Labcorp Genetics (formerly Invitae), Labcorp
Classification: Likely pathogenic for Autosomal recessive polycystic kidney disease. Last evaluated: 2022-05-31. Review status: criteria provided, single submitter. Criteria: Invitae Variant Classification Sherloc (09022015). Collection method: clinical testing. Allele origin: germline.
Comment: This sequence change replaces valine, which is neutral and non-polar, with glycine, which is neutral and non-polar, at codon 2773 of the PKHD1 protein (p.Val2773Gly). This variant is not present in population databases (gnomAD no frequency). This variant has not been reported in the literature in individuals affected with PKHD1-related conditions. ClinVar contains an entry for this variant (Variation ID: 1067351). Advanced modeling of protein sequence and biophysical properties (such as structural, functional, and spatial information, amino acid conservation, physicochemical variation, residue mobility, and thermodynamic stability) performed at Invitae indicates that this missense variant is expected to disrupt PKHD1 protein function. This variant disrupts the p.Val2773 amino acid residue in PKHD1. Other variant(s) that disrupt this residue have been determined to be pathogenic (PMID: 16133180, 19940839; Invitae). This suggests that this residue is clinically significant, and that variants that disrupt this residue are likely to be disease-causing. In summary, the currently available evidence indicates that the variant is pathogenic, but additional data are needed to prove that conclusively. Therefore, this variant has been classified as Likely Pathogenic.

Literature cited by the submitters: PubMed 16133180 (cited by Labcorp Genetics (formerly Invitae), Labcorp); PubMed 19940839 (cited by Labcorp Genetics (formerly Invitae), Labcorp).

NM_138694.4(PKHD1):c.8318T>G (p.Val2773Gly)

Gene: PKHD1 (PKHD1 ciliary IPT domain containing fibrocystin/polyductin; minus strand). Cytogenetic location: 6p12.3.
Variant type: single nucleotide variant.
Coding change: c.8318T>G on transcript NM_138694.4 (MANE Select); coding-DNA position 8318, T replaced by G.
Protein change: p.Val2773Gly; replaces valine 2773 with glycine.
Molecular consequence: missense variant.
Genome position (GRCh38, 1-based): chr6:51,791,358, A>C on the plus strand (T>G on the coding strand, the complement: PKHD1 is on the minus strand). VCF-style: chr6-51791358-A-C. GRCh37 (hg19) VCF-style: chr6-51656156-A-C.
Other names: c.8318T>G, p.Val2773Gly (NM_170724.3); short protein forms V2773G.
Identifiers: ClinVar variation 1067351 (VCV001067351.11), dbSNP rs1471306684, ClinGen allele CA364416568.